The following is an entry in ClinVar:

ClinVar aggregate classification (germline): Uncertain significance (1 of 4 stars; one submission).

Conditions:
Neuropathy, hereditary sensory and autonomic, type 2A (HSAN2A). Also called: ACROOSTEOLYSIS, GIACCAI TYPE; ACROOSTEOLYSIS, NEUROGENIC; WNK1-Related HSAN2 (HSAN2A); NEUROPATHY, HEREDITARY SENSORY RADICULAR, AUTOSOMAL RECESSIVE; MORVAN DISEASE; NEUROPATHY, CONGENITAL SENSORY. Identifiers: Orphanet 970, MedGen C2752089, MONDO:0024309, OMIM 201300.
Generalized epilepsy with febrile seizures plus, type 7 (GEFSP7). Also called: GEFS+, TYPE 7. Identifiers: Orphanet 36387, MedGen C2751778, MONDO:0013470, OMIM 613863.

Submission:

Labcorp Genetics (formerly Invitae), Labcorp
Classification: Uncertain significance for Neuropathy, hereditary sensory and autonomic, type 2A; Generalized epilepsy with febrile seizures plus, type 7. Last evaluated: 2026-01-12. Review status: criteria provided, single submitter. Criteria: Invitae Variant Classification Sherloc (09022015). Collection method: clinical testing. Allele origin: germline.
Comment: This sequence change replaces isoleucine, which is neutral and non-polar, with valine, which is neutral and non-polar, at codon 1400 of the SCN9A protein (p.Ile1400Val). This variant is not present in population databases (gnomAD no frequency). This variant has not been reported in the literature in individuals affected with SCN9A-related conditions. Invitae Evidence Modeling of protein sequence and biophysical properties (such as structural, functional, and spatial information, amino acid conservation, physicochemical variation, residue mobility, and thermodynamic stability) indicates that this missense variant is not expected to disrupt SCN9A protein function with a negative predictive value of 95%. In summary, the available evidence is currently insufficient to determine the role of this variant in disease. Therefore, it has been classified as a Variant of Uncertain Significance.

NM_001365536.1(SCN9A):c.4231A>G (p.Ile1411Val)

Genes: SCN1A-AS1 (SCN1A and SCN9A antisense RNA 1; plus strand), SCN9A (sodium voltage-gated channel alpha subunit 9; minus strand). Cytogenetic location: 2q24.3.
Variant type: single nucleotide variant.
Coding change: c.4231A>G on transcript NM_001365536.1 (MANE Select); coding-DNA position 4231, A replaced by G.
Protein change: p.Ile1411Val; replaces isoleucine 1411 with valine.
Molecular consequence: missense variant.
Genome position (GRCh38, 1-based): chr2:166,227,699, T>C on the plus strand (A>G on the coding strand, the complement: SCN9A is on the minus strand). VCF-style: chr2-166227699-T-C. GRCh37 (hg19) VCF-style: chr2-167084209-T-C.
Other names: c.4198A>G, p.Ile1400Val (NM_002977.4); short protein forms I1411V, I1400V.
Identifiers: ClinVar variation 4783385 (VCV004783385.1).